The following is an entry in ClinVar:

NM_001044385.3(TMEM237):c.636G>A (p.Trp212Ter)

Gene: TMEM237 (transmembrane protein 237; minus strand). Cytogenetic location: 2q33.1.
Variant type: single nucleotide variant.
Coding change: c.636G>A on transcript NM_001044385.3 (MANE Select); coding-DNA position 636, G replaced by A.
Protein change: p.Trp212Ter; replaces tryptophan 212 with a stop codon.
Molecular consequence: nonsense.
Genome position (GRCh38, 1-based): chr2:201,629,770, C>T on the plus strand (G>A on the coding strand, the complement: TMEM237 is on the minus strand). VCF-style: chr2-201629770-C-T. GRCh37 (hg19) VCF-style: chr2-202494493-C-T.
Other names: c.612G>A, p.Trp204Ter (NM_152388.4); short protein forms W204*, W212*.
Identifiers: ClinVar variation 1683273 (VCV001683273.1), dbSNP rs2105899200, ClinGen allele CA350310403.

ClinVar aggregate classification (germline): Likely pathogenic (1 of 4 stars; one submission).

Conditions:
Joubert syndrome and related disorders. Identifiers: Orphanet 140874, MedGen C5679612, MONDO:0015369.

Submission:

Women's Health and Genetics/Laboratory Corporation of America, LabCorp
Classification: Likely pathogenic for Joubert syndrome and related disorders. Last evaluated: 2022-04-27. Review status: criteria provided, single submitter. Criteria: LabCorp Variant Classification Summary - May 2015. Collection method: clinical testing. Allele origin: germline.
Comment: Variant summary: TMEM237 c.636G>A (p.Trp212X) results in a premature termination codon, predicted to cause a truncation of the encoded protein or absence of the protein due to nonsense mediated decay, which are commonly known mechanisms for disease. The variant was absent in 248802 control chromosomes (gnomAD). To our knowledge, no occurrence of c.636G>A in individuals affected with Joubert Syndrome And Related Disorders and no experimental evidence demonstrating its impact on protein function have been reported. No clinical diagnostic laboratories have submitted clinical-significance assessments for this variant to ClinVar after 2014. Based on the evidence outlined above, the variant was classified as likely pathogenic.